The following is an entry in ClinVar:

NM_201384.3(PLEC):c.9689C>T (p.Ala3230Val)

Gene: PLEC (plectin; minus strand). Cytogenetic location: 8q24.3.
Variant type: single nucleotide variant.
Coding change: c.9689C>T on transcript NM_201384.3 (MANE Select); coding-DNA position 9689, C replaced by T.
Protein change: p.Ala3230Val; replaces alanine 3230 with valine.
Molecular consequence: missense variant.
Genome position (GRCh38, 1-based): chr8:143,920,132, G>A on the plus strand (C>T on the coding strand, the complement: PLEC is on the minus strand). VCF-style: chr8-143920132-G-A. GRCh37 (hg19) VCF-style: chr8-144994300-G-A.
Other names: c.9770C>T, p.Ala3257Val (NM_000445.5); c.9647C>T, p.Ala3216Val (NM_201378.4); c.9623C>T, p.Ala3208Val (NM_201379.3); c.10100C>T, p.Ala3367Val (NM_201380.4); c.9593C>T, p.Ala3198Val (NM_201381.3); c.9689C>T, p.Ala3230Val (NM_201382.4); c.9701C>T, p.Ala3234Val (NM_201383.3); c.9770C>T (NM_000445.3); short protein forms A3216V, A3230V, A3234V, A3257V, A3367V, A3208V, A3198V.
Identifiers: ClinVar variation 595750 (VCV000595750.15), dbSNP rs782629920, ClinGen allele CA372507304.
Genomic context (GRCh38, chr8:143,920,132, plus strand): 5'-GTCCTGCCCTTGAAGCCACCCACGGGGACCTCAACCGGGGTCTTTTCAAAGGTCTCACGG[G>A]CCTGCAGCTCTGAGTAGAGCTCCTCCTGCCGGGCCCGAGCAGCCTTTTCTGAGAGCGGCA-3'
Protein context (NP_958786.1, residues 3220-3240): RQEELYSELQ[Ala3230Val]RETFEKTPVE

ClinVar aggregate classification (germline): Uncertain significance. Review status: criteria provided, multiple submitters, no conflicts (2 of 4 stars). 3 submissions from 3 submitters: Uncertain significance (3). Last evaluated 2024-08-08.

Conditions:
Epidermolysis bullosa simplex 5B, with muscular dystrophy (EBS5B). Also called: Epidermolysis bullosa simplex with muscular dystrophy; EPIDERMOLYSIS BULLOSA SIMPLEX AND LIMB-GIRDLE MUSCULAR DYSTROPHY. Identifiers: Orphanet 257, MedGen C2931072, MONDO:0009181, OMIM 226670.
Epidermolysis bullosa simplex, Ogna type (EBS5A). Also called: Pidermolysis bullosa simplex 5A, Ogna type; EPIDERMOLYSIS BULLOSA SIMPLEX 5A, OGNA TYPE. Identifiers: Orphanet 79401, MedGen C0432317, MONDO:0007555, OMIM 131950.
Epidermolysis bullosa simplex with nail dystrophy (EBS5D). Identifiers: MedGen C4225309, MONDO:0014661, OMIM 616487.
Autosomal recessive limb-girdle muscular dystrophy type 2Q (LGMDR17). Also called: MUSCULAR DYSTROPHY, LIMB-GIRDLE, AUTOSOMAL RECESSIVE 17. Identifiers: Orphanet 254361, MedGen C3150989, MONDO:0013390, OMIM 613723.
Epidermolysis bullosa simplex 5C, with pyloric atresia (EBS5C). Also called: PLEC-Related Epidermolysis Bullosa with Pyloric Atresia; Epidermolysis bullosa simplex with pyloric atresia; PLEC1-Related Epidermolysis Bullosa with Pyloric Atresia. Identifiers: Orphanet 158684, MedGen C2677349, MONDO:0012807, OMIM 612138.

Allele frequency attached by ClinVar (database versions not stated): gnomAD 0.00003 and 0.00004; TOPMed 0.00006.
gnomAD v4.1: 6 of 1,612,760 alleles (0.00037%); highest among the groups gnomAD compares: African/African-American, 0.008%; no homozygotes.

Submissions (3):

Labcorp Genetics (formerly Invitae), Labcorp
Classification: Uncertain significance for Autosomal recessive limb-girdle muscular dystrophy type 2Q; Epidermolysis bullosa simplex, Ogna type; Epidermolysis bullosa simplex with nail dystrophy; Epidermolysis bullosa simplex 5C, with pyloric atresia; Epidermolysis bullosa simplex 5B, with muscular dystrophy. Last evaluated: 2024-08-08. Review status: criteria provided, single submitter. Criteria: Invitae Variant Classification Sherloc (09022015). Collection method: clinical testing. Allele origin: germline.
Comment: This sequence change replaces alanine, which is neutral and non-polar, with valine, which is neutral and non-polar, at codon 3257 of the PLEC protein (p.Ala3257Val). This variant is present in population databases (no rsID available, gnomAD 0.01%). This variant has not been reported in the literature in individuals affected with PLEC-related conditions. ClinVar contains an entry for this variant (Variation ID: 595750). An algorithm developed to predict the effect of missense changes on protein structure and function (PolyPhen-2) suggests that this variant is likely to be tolerated. In summary, the available evidence is currently insufficient to determine the role of this variant in disease. Therefore, it has been classified as a Variant of Uncertain Significance.

Revvity Omics, Revvity
Classification: Uncertain significance. Last evaluated: 2020-02-19. Review status: criteria provided, single submitter. Criteria: ACMG Guidelines, 2015. Collection method: clinical testing. Allele origin: germline.

Eurofins Ntd Llc (ga)
Classification: Uncertain significance. Last evaluated: 2018-01-12. Review status: criteria provided, single submitter. Criteria: EGL Classification Definitions 2015. Collection method: clinical testing. Allele origin: germline. Observed: 1 variant allele, 1 heterozygote.